The following is an entry in ClinVar:

ClinVar aggregate classification (germline): Uncertain significance. Review status: criteria provided, multiple submitters, no conflicts (2 of 4 stars). 2 submissions from 2 submitters: Uncertain significance (2). Last evaluated 2024-03-20.

Conditions:
Cranioectodermal dysplasia 1 (CED1). Also called: LEVIN SYNDROME I. Identifiers: Orphanet 1515, MedGen C0432235, MONDO:0021093, OMIM 218330.

Allele frequency attached by ClinVar (database versions not stated): TOPMed below 0.00001; gnomAD exomes 0.00001.
gnomAD v4.1: 6 of 1,614,192 alleles (0.00037%); highest among the groups gnomAD compares: Admixed American, 0.01%; 1 homozygote.

Submissions (2):

Fulgent Genetics
Classification: Uncertain significance for Cranioectodermal dysplasia 1. Last evaluated: 2024-03-20. Review status: criteria provided, single submitter. Criteria: ACMG Guidelines, 2015. Collection method: clinical testing. Allele origin: germline.

Labcorp Genetics (formerly Invitae), Labcorp
Classification: Uncertain significance for Cranioectodermal dysplasia 1. Last evaluated: 2022-07-30. Review status: criteria provided, single submitter. Criteria: Invitae Variant Classification Sherloc (09022015). Collection method: clinical testing. Allele origin: germline.
Comment: This variant is present in population databases (no rsID available, gnomAD 0.02%), including at least one homozygous and/or hemizygous individual. In summary, the available evidence is currently insufficient to determine the role of this variant in disease. Therefore, it has been classified as a Variant of Uncertain Significance. Algorithms developed to predict the effect of missense changes on protein structure and function are either unavailable or do not agree on the potential impact of this missense change (SIFT: "Deleterious"; PolyPhen-2: "Benign"; Align-GVGD: "Class C0"). This variant has not been reported in the literature in individuals affected with IFT122-related conditions. This sequence change replaces glutamic acid, which is acidic and polar, with glycine, which is neutral and non-polar, at codon 458 of the IFT122 protein (p.Glu458Gly).

NM_052989.3(IFT122):c.1220A>G (p.Glu407Gly)

Gene: IFT122 (intraflagellar transport 122; plus strand). Cytogenetic location: 3q21.3.
Variant type: single nucleotide variant.
Coding change: c.1220A>G on transcript NM_052989.3 (MANE Select); coding-DNA position 1220, A replaced by G.
Protein change: p.Glu407Gly; replaces glutamic acid 407 with glycine.
Molecular consequence: missense variant.
Genome position (GRCh38, 1-based): chr3:129,478,088, A>G. VCF-style: chr3-129478088-A-G. GRCh37 (hg19) VCF-style: chr3-129196931-A-G.
Other names: c.1196A>G, p.Glu399Gly (NM_001280541.2); c.770A>G, p.Glu257Gly (NM_001280545.2); c.593A>G, p.Glu198Gly (NM_001280546.2); c.1220A>G, p.Glu407Gly (NM_001410808.1, NM_001410809.1); c.1043A>G, p.Glu348Gly (NM_001410810.1, NM_001410811.1, NM_001410813.1 and 1 more transcripts); c.887A>G, p.Glu296Gly (NM_001410815.1, NM_001410817.1, NM_052990.3); c.1373A>G, p.Glu458Gly (NM_052985.4); short protein forms E296G, E348G, E198G, E399G, E458G, E407G, E257G.
Identifiers: ClinVar variation 1936269 (VCV001936269.5), dbSNP rs1450877920, ClinGen allele CA354474047.